The following is an entry in ClinVar:

ClinVar aggregate classification (germline): Benign. Review status: criteria provided, multiple submitters, no conflicts (2 of 4 stars). 2 submissions from 2 submitters: Benign (2). Last evaluated 2025-03-31.

Allele frequency attached by ClinVar (database versions not stated): TOPMed 0.00005; 1000 Genomes Project 30x 0.00016; 1000 Genomes Project 0.00020; ExAC 0.00021.

Submissions (2):

Labcorp Genetics (formerly Invitae), Labcorp
Classification: Benign. Last evaluated: 2025-03-31. Review status: criteria provided, single submitter. Criteria: Invitae Variant Classification Sherloc (09022015). Collection method: clinical testing. Allele origin: germline.

Athena Diagnostics
Classification: Benign. Last evaluated: 2025-03-26. Review status: criteria provided, single submitter. Criteria: Athena Diagnostics Criteria. Collection method: clinical testing. Allele origin: unknown.
Comment: The frequency of this variant in the general population is higher than would generally be expected for pathogenic variants in this gene.

NM_001961.4(EEF2):c.318C>T (p.Pro106=)

Gene: EEF2 (eukaryotic translation elongation factor 2; minus strand). Cytogenetic location: 19p13.3.
Variant type: single nucleotide variant.
Coding change: c.318C>T on transcript NM_001961.4 (MANE Select); coding-DNA position 318, C replaced by T.
Protein change: p.Pro106=; no amino-acid change (proline 106 retained).
Molecular consequence: synonymous variant.
Genome position (GRCh38, 1-based): chr19:3,983,192, G>A on the plus strand (C>T on the coding strand, the complement: EEF2 is on the minus strand). VCF-style: chr19-3983192-G-A. GRCh37 (hg19) VCF-style: chr19-3983190-G-A.
Identifiers: ClinVar variation 995088 (VCV000995088.7), dbSNP rs548237711, ClinGen allele CA9089456.
Genomic context (GRCh38, chr19:3,983,192, plus strand): 5'-CAATGCGCCATCGGTGACTCGGAGGGCAGCAGTCACCTCCGAGGAGAAGTCGACATGCCC[G>A]GGGGAGTCAATGAGGTTGATGAGGAAGCCGGCACCGTCCTTGCTCTGCTTGATGAAGTTC-3'
Protein context (NP_001952.1, residues 96-116): AGFLINLIDS[Pro106=]GHVDFSSEVT